The following is an entry in ClinVar:

ClinVar aggregate classification (germline): not provided (0 of 4 stars; one submission).

Conditions:
Familial juvenile hyperuricemic nephropathy type 1 (ADTKD1). Also called: Autosomal Dominant Tubulointerstitial Kidney Disease – UMOD; Glomerulocystic kidney disease with hyperuricemia and isosthenuria; Medullary cystic kidney disease 2; UMOD-Associated Kidney Disease; Uromodulin-associated kidney disease. Identifiers: Orphanet 209886, Orphanet 34149, Orphanet 88950, MedGen C4551496, MONDO:0008073, OMIM 162000.

Submission:

GeneReviews
No classification provided. Condition: Familial juvenile hyperuricemic nephropathy type 1. Review status: no classification provided. Collection method: literature only. Allele origin: germline.
Comment: Possible association with Later onset of ESRD

Literature cited by the submitters: PubMed 32954071.

NM_003361.4(UMOD):c.800G>T (p.Cys267Phe)

Gene: UMOD (uromodulin; minus strand). Cytogenetic location: 16p12.3.
Variant type: single nucleotide variant.
Coding change: c.800G>T on transcript NM_003361.4 (MANE Select); coding-DNA position 800, G replaced by T.
Protein change: p.Cys267Phe; replaces cysteine 267 with phenylalanine.
Molecular consequence: missense variant. On other transcripts: non-coding transcript variant (1).
Genome position (GRCh38, 1-based): chr16:20,348,501, C>A on the plus strand (G>T on the coding strand, the complement: UMOD is on the minus strand). VCF-style: chr16-20348501-C-A. GRCh37 (hg19) VCF-style: chr16-20359823-C-A.
Other names: c.800G>T, p.Cys267Phe (NM_001008389.3, NM_001378232.1, NM_001378233.1 and 3 more transcripts); c.899G>T, p.Cys300Phe (NM_001278614.2); short protein forms C267F, C300F.
Identifiers: ClinVar variation 1312493 (VCV001312493.4), dbSNP rs2141674031, ClinGen allele CA394984370.